The following is an entry in ClinVar:

ClinVar aggregate classification (germline): Likely benign. Review status: criteria provided, multiple submitters, no conflicts (2 of 4 stars). 2 submissions from 2 submitters: Likely benign (2). Last evaluated 2025-02-01.

Conditions:
Alzheimer disease. Also called: Presenile and senile dementia; Alzheimer's disease. Identifiers: Orphanet 1020, MedGen C0002395, MeSH D000544, MONDO:0004975, HP:0002511.

Allele frequency attached by ClinVar (database versions not stated): gnomAD below 0.00001 and 0.00001; gnomAD exomes below 0.00001 and 0.00001; TOPMed below 0.00001; 1000 Genomes Project 30x 0.00016.
gnomAD v4.1: 10 of 1,614,026 alleles (0.00062%); highest among the groups gnomAD compares: South Asian, 0.0022%; no homozygotes.

Submissions (2):

CeGaT Center for Human Genetics Tuebingen
Classification: Likely benign. Last evaluated: 2025-02-01. Review status: criteria provided, single submitter. Criteria: CeGaT Center For Human Genetics Tuebingen Variant Classification Criteria Version 2. Collection method: clinical testing. Allele origin: germline. Affected: yes. Observed: 1 variant allele.
Comment: APP: BP4

Labcorp Genetics (formerly Invitae), Labcorp
Classification: Likely benign for Alzheimer disease. Last evaluated: 2023-07-12. Review status: criteria provided, single submitter. Criteria: Invitae Variant Classification Sherloc (09022015). Collection method: clinical testing. Allele origin: germline.

NM_000484.4(APP):c.1587+7G>A

Genes: APP (amyloid beta precursor protein; minus strand), LOC126653330 (CDK7 strongly-dependent group 2 enhancer GRCh37_chr21:27326978-27328177; plus strand). Cytogenetic location: 21q21.3.
Variant type: single nucleotide variant.
Coding change: c.1587+7G>A on transcript NM_000484.4 (MANE Select); 7 bases into the intron after coding-DNA position 1587, G replaced by A.
Molecular consequence: intron variant.
Genome position (GRCh38, 1-based): chr21:25,955,620, C>T on the plus strand (G>A on the coding strand, the complement: APP is on the minus strand). VCF-style: chr21-25955620-C-T. GRCh37 (hg19) VCF-style: chr21-27327934-C-T.
Other names: c.1257+7G>A (NM_001136131.3); c.1194+7G>A (NM_001136129.3); c.1419+7G>A (NM_001136130.3, NM_001385253.1); c.1362+7G>A (NM_001204303.2, NM_201414.3); c.1530+7G>A (NM_001204302.2, NM_201413.3); c.1587+7G>A (NM_001204301.2); c.1515+7G>A (NM_001136016.3).
Identifiers: ClinVar variation 784763 (VCV000784763.24), dbSNP rs1463470081, ClinGen allele CA637171385.